The following is an entry in ClinVar:

ClinVar aggregate classification (germline): Pathogenic (1 of 4 stars; one submission).

Conditions:
Hereditary cancer-predisposing syndrome. Also called: Neoplastic Syndromes, Hereditary; Tumor predisposition; Hereditary neoplastic syndrome; Hereditary Cancer Syndrome. Identifiers: Orphanet 140162, MedGen C0027672, MeSH D009386, MONDO:0015356.

Submission:

Ambry Genetics
Classification: Pathogenic for Hereditary cancer-predisposing syndrome. Last evaluated: 2026-07-30. Review status: criteria provided, single submitter. Criteria: Ambry Variant Classification Scheme 2023. Collection method: clinical testing. Allele origin: germline.
Comment: The c.2200_2201delAA pathogenic mutation, located in coding exon 14 of the BRIP1 gene, results from a deletion of two nucleotides at nucleotide positions 2200 to 2201, causing a translational frameshift with a predicted alternate stop codon (p.N734Ffs*2). This variant is considered to be rare based on population cohorts in the Genome Aggregation Database (gnomAD). This alteration is expected to result in loss of function by premature protein truncation or nonsense-mediated mRNA decay. As such, this alteration is interpreted as a disease-causing mutation.

NM_032043.3(BRIP1):c.2200_2201del (p.Asn734fs)

Gene: BRIP1 (BRCA1 interacting DNA helicase 1; minus strand). Cytogenetic location: 17q23.2.
Variant type: Deletion.
Coding change: c.2200_2201del on transcript NM_032043.3 (MANE Select); coding-DNA positions 2200 to 2201, 2 bases deleted (AA; older notation c.2200_2201delAA).
Protein change: p.Asn734fs; shifts the reading frame from asparagine 734.
Molecular consequence: frameshift variant.
Genome position (GRCh38, 1-based): chr17:61,744,488-61,744,489, TT deleted on the plus strand (AA on the coding strand, the reverse complement: BRIP1 is on the minus strand); deleting any 2 consecutive bases within chr17:61,744,488-61,744,490 gives the same sequence; the c. name uses the placement nearest the transcript's 3' end. VCF-style (leftmost placement, unchanged base first): chr17-61744487-ATT-A. GRCh37 (hg19) VCF-style: chr17-59821848-ATT-A.
Other names: c.2200_2201delAA (NM_032043.2); short protein forms N734fs.
Identifiers: ClinVar variation 5033440 (VCV005033440.1).
Genomic context (GRCh38, chr17:61,744,487, plus strand): 5'-GTTACCTTTCTCTCCTTTGTATTTGATTGCGTCATAGTACACCTGCAGTAATTCATCAAA[ATT>A]TGTTTTTTCTCCTCCCTGTGGTTCTACAATGACTGTCTTCACCAACTCCAGATTATGCCA-3'